The following is an entry in ClinVar:

ClinVar aggregate classification (germline): Uncertain significance (1 of 4 stars; one submission).

Conditions:
CBL-related disorder. Also called: NOONAN SYNDROME-LIKE DISORDER WITHOUT JUVENILE MYELOMONOCYTIC LEUKEMIA; CBL MUTATION-ASSOCIATED SYNDROME; CBL SYNDROME. Identifiers: Orphanet 363972, MedGen C3150803, MONDO:0013308, OMIM 613563.

Submission:

Illumina Laboratory Services, Illumina
Classification: Uncertain significance for CBL-related disorder. Last evaluated: 2024-02-01. Review status: criteria provided, single submitter. Criteria: ISL SNV Classification Criteria 03 February 2026. Collection method: clinical testing. Allele origin: unknown.
Comment: The CBL c.541A>G p.(Ile181Val) missense variant has not, to our knowledge, been reported in the peer-reviewed literature. This variant is not observed in version 2.1.1 or version 4.0.0 of the Genome Aggregation Database. Based on the available evidence, the c.541A>G p.(Ile181Val) variant is classified as a variant of uncertain significance for Noonan syndrome-like disorder with or without juvenile myelomonocytic leukemia.

NM_005188.4(CBL):c.541A>G (p.Ile181Val)

Gene: CBL (Cbl proto-oncogene; plus strand). Cytogenetic location: 11q23.3.
Variant type: single nucleotide variant.
Coding change: c.541A>G on transcript NM_005188.4 (MANE Select); coding-DNA position 541, A replaced by G.
Protein change: p.Ile181Val; replaces isoleucine 181 with valine.
Molecular consequence: missense variant.
Genome position (GRCh38, 1-based): chr11:119,271,832, A>G. VCF-style: chr11-119271832-A-G. GRCh37 (hg19) VCF-style: chr11-119142542-A-G.
Other names: short protein forms I181V.
Identifiers: ClinVar variation 4759470 (VCV004759470.1).